The following is an entry in ClinVar:

ClinVar aggregate classification (germline): Uncertain significance (1 of 4 stars; one submission).

Conditions:
TTN-related disorder. Also called: TTN-related disorders; TTN-related condition; TTN-related disease.

gnomAD v4.1: 4 of 1,611,998 alleles (0.00025%); highest among the groups gnomAD compares: African/African-American, 0.004%; no homozygotes.

Submission:

PreventionGenetics, part of Exact Sciences
Classification: Uncertain significance for TTN-related condition. Last evaluated: 2026-07-05. Review status: criteria provided, single submitter. Criteria: ACMG Guidelines, 2015. Collection method: clinical testing. Allele origin: germline.
Comment: The TTN c.43795G>C variant is predicted to result in the amino acid substitution p.Glu14599Gln. To our knowledge, this variant has not been reported in the literature or in a large population database (gnomAD), indicating this variant is rare. At this time, the clinical significance of this variant is uncertain due to the absence of conclusive functional and genetic evidence.

NM_001267550.2(TTN):c.43795G>C (p.Glu14599Gln)

Gene: TTN (titin; minus strand). Cytogenetic location: 2q31.2.
Variant type: single nucleotide variant.
Coding change: c.43795G>C on transcript NM_001267550.2 (MANE Select); coding-DNA position 43795, G replaced by C.
Protein change: p.Glu14599Gln; replaces glutamic acid 14599 with glutamine.
Molecular consequence: missense variant.
Genome position (GRCh38, 1-based): chr2:178,631,253, C>G on the plus strand (G>C on the coding strand, the complement: TTN is on the minus strand). VCF-style: chr2-178631253-C-G. GRCh37 (hg19) VCF-style: chr2-179495980-C-G.
Other names: c.38872G>C, p.Glu12958Gln (NM_001256850.1); c.16600G>C, p.Glu5534Gln (NM_003319.4); c.36091G>C, p.Glu12031Gln (NM_133378.4); c.16975G>C, p.Glu5659Gln (NM_133432.3); c.17176G>C, p.Glu5726Gln (NM_133437.4); short protein forms E12031Q, E14599Q, E5534Q, E5726Q, E12958Q, E5659Q.
Identifiers: ClinVar variation 4984312 (VCV004984312.1).
Genomic context (GRCh38, chr2:178,631,253, plus strand): 5'-ACCATTTCACTGGTGCATCTGCTTTGCTAATTTCACACTGTAGAATAACTTCATCTTTCT[C>G]TACACCAGTATAATCTTGAAGTTTTCCTGTAAAATATGGGTCTCCCTCTGCAAGTAAAGT-3'
Protein context (NP_001254479.2, residues 14589-14609): TGKLQDYTGV[Glu14599Gln]KDEVILQCEI